The following is an entry in ClinVar:

NM_001267550.2(TTN):c.39680C>T (p.Pro13227Leu)

Gene: TTN (titin; minus strand). Cytogenetic location: 2q31.2.
Variant type: single nucleotide variant.
Coding change: c.39680C>T on transcript NM_001267550.2 (MANE Select); coding-DNA position 39680, C replaced by T.
Protein change: p.Pro13227Leu; replaces proline 13227 with leucine.
Molecular consequence: missense variant. On other transcripts: intron variant (3).
Genome position (GRCh38, 1-based): chr2:178,650,780, G>A on the plus strand (C>T on the coding strand, the complement: TTN is on the minus strand). VCF-style: chr2-178650780-G-A. GRCh37 (hg19) VCF-style: chr2-179515507-G-A.
Other names: c.35159C>T, p.Pro11720Leu (NM_001256850.1); c.32378C>T, p.Pro10793Leu (NM_133378.4); c.13283-8463C>T (NM_003319.4); c.13859-8463C>T (NM_133437.4); c.13658-8463C>T (NM_133432.3); short protein forms P10793L, P11720L, P13227L.
Identifiers: ClinVar variation 4853081 (VCV004853081.1).

ClinVar aggregate classification (germline): Uncertain significance (1 of 4 stars; one submission).

Submission:

Women's Health and Genetics/Laboratory Corporation of America, LabCorp
Classification: Uncertain significance. Last evaluated: 2026-05-14. Review status: criteria provided, single submitter. Criteria: LabCorp Variant Classification Summary - May 2015. Collection method: clinical testing. Allele origin: germline.
Comment: Variant summary: TTN c.32378C>T (p.Pro10793Leu) results in a non-conservative amino acid change in the encoded protein sequence. Algorithms developed to predict the effect of missense changes on protein structure and function are either unavailable or do not agree on the potential impact of this missense change. The variant was absent in 240278 control chromosomes. The available data on variant occurrences in the general population are insufficient to allow any conclusion about variant significance. To our knowledge, no occurrence of c.32378C>T in individuals affected with TTN-related conditions and no experimental evidence demonstrating its impact on protein function have been reported. No submitters have cited clinical-significance assessments for this variant to ClinVar. Based on the evidence outlined above, the variant was classified as uncertain significance.